The following is an entry in ClinVar:

ClinVar aggregate classification (germline): Uncertain significance (1 of 4 stars; one submission).

Submission:

GeneDx
Classification: Uncertain significance. Last evaluated: 2025-06-05. Review status: criteria provided, single submitter. Criteria: GeneDx Variant Classification Process June 2021. Collection method: clinical testing. Allele origin: germline. Affected: yes.
Comment: Not observed at significant frequency in large population cohorts (gnomAD); In silico analysis supports that this missense variant has a deleterious effect on protein structure/function; Has not been previously published as pathogenic or benign to our knowledge

NM_006186.4(NR4A2):c.1691C>T (p.Thr564Ile)

Gene: NR4A2 (nuclear receptor subfamily 4 group A member 2; minus strand). Cytogenetic location: 2q24.1.
Variant type: single nucleotide variant.
Coding change: c.1691C>T on transcript NM_006186.4 (MANE Select); coding-DNA position 1691, C replaced by T.
Protein change: p.Thr564Ile; replaces threonine 564 with isoleucine.
Molecular consequence: missense variant.
Genome position (GRCh38, 1-based): chr2:156,325,850, G>A on the plus strand (C>T on the coding strand, the complement: NR4A2 is on the minus strand). VCF-style: chr2-156325850-G-A. GRCh37 (hg19) VCF-style: chr2-157182362-G-A.
Other names: c.1502C>T, p.Thr501Ile (NM_173173.3); short protein forms T501I, T564I.
Identifiers: ClinVar variation 4536174 (VCV004536174.1).